The following is an entry in ClinVar:

ClinVar aggregate classification (germline): Uncertain significance (1 of 4 stars; one submission).

gnomAD v4.1: 9 of 1,613,416 alleles (0.00056%); highest among the groups gnomAD compares: Non-Finnish European, 0.00076%; no homozygotes.

Submission:

Labcorp Genetics (formerly Invitae), Labcorp
Classification: Uncertain significance. Last evaluated: 2025-10-28. Review status: criteria provided, single submitter. Criteria: Invitae Variant Classification Sherloc (09022015). Collection method: clinical testing. Allele origin: germline.
Comment: This sequence change replaces methionine, which is neutral and non-polar, with threonine, which is neutral and polar, at codon 203 of the EFTUD2 protein (p.Met203Thr). This variant is present in population databases (no rsID available, gnomAD 0.007%). This variant has not been reported in the literature in individuals affected with EFTUD2-related conditions. Invitae Evidence Modeling of protein sequence and biophysical properties (such as structural, functional, and spatial information, amino acid conservation, physicochemical variation, residue mobility, and thermodynamic stability) indicates that this missense variant is expected to disrupt EFTUD2 protein function with a positive predictive value of 80%. In summary, the available evidence is currently insufficient to determine the role of this variant in disease. Therefore, it has been classified as a Variant of Uncertain Significance.

NM_004247.4(EFTUD2):c.608T>C (p.Met203Thr)

Gene: EFTUD2 (elongation factor Tu GTP binding domain containing 2; minus strand). Cytogenetic location: 17q21.31.
Variant type: single nucleotide variant.
Coding change: c.608T>C on transcript NM_004247.4 (MANE Select); coding-DNA position 608, T replaced by C.
Protein change: p.Met203Thr; replaces methionine 203 with threonine.
Molecular consequence: missense variant.
Genome position (GRCh38, 1-based): chr17:44,880,565, A>G on the plus strand (T>C on the coding strand, the complement: EFTUD2 is on the minus strand). VCF-style: chr17-44880565-A-G. GRCh37 (hg19) VCF-style: chr17-42957933-A-G.
Other names: c.503T>C, p.Met168Thr (NM_001142605.2); c.608T>C, p.Met203Thr (NM_001258353.2); c.578T>C, p.Met193Thr (NM_001258354.2); short protein forms M193T, M203T, M168T.
Identifiers: ClinVar variation 4691762 (VCV004691762.1).